The following is an entry in ClinVar:

ClinVar aggregate classification (germline): Likely benign. Review status: criteria provided, single submitter (1 of 4 stars). 2 submissions from 2 submitters: Likely benign (1). 1 of the submissions does not count toward it. Last evaluated 2024-12-01.

Conditions:
BIRC6-related disorder. Also called: BIRC6-related condition.

Allele frequency attached by ClinVar (database versions not stated): gnomAD exomes 0.00013; 1000 Genomes Project 30x 0.00016; gnomAD 0.00019; 1000 Genomes Project 0.00020; TOPMed 0.00022; ESP Exome Variant Server 0.00023; ExAC 0.00025.
gnomAD v4.1: 239 of 1,610,454 alleles (0.015%); highest among the groups gnomAD compares: Middle Eastern, 0.35%; 1 homozygote.

Submissions (2):

CeGaT Center for Human Genetics Tuebingen
Classification: Likely benign. Last evaluated: 2024-12-01. Review status: criteria provided, single submitter. Criteria: CeGaT Center For Human Genetics Tuebingen Variant Classification Criteria Version 2. Collection method: clinical testing. Allele origin: germline. Affected: yes. Observed: 1 variant allele.
Comment: BIRC6: BP4, BS2

PreventionGenetics, part of Exact Sciences
Classification: Likely benign for BIRC6-related condition. Last evaluated: 2019-07-18. Review status: no assertion criteria provided. Collection method: clinical testing. Allele origin: germline. Not counted in ClinVar's aggregate classification.
Comment: This variant is classified as likely benign based on ACMG/AMP sequence variant interpretation guidelines (Richards et al. 2015 PMID: 25741868, with internal and published modifications).

NM_016252.4(BIRC6):c.682T>C (p.Leu228=)

Gene: BIRC6 (baculoviral IAP repeat containing 6; plus strand). Cytogenetic location: 2p22.3.
Variant type: single nucleotide variant.
Coding change: c.682T>C on transcript NM_016252.4 (MANE Select); coding-DNA position 682, T replaced by C.
Protein change: p.Leu228=; no amino-acid change (leucine 228 retained).
Molecular consequence: synonymous variant.
Genome position (GRCh38, 1-based): chr2:32,388,786, T>C. VCF-style: chr2-32388786-T-C. GRCh37 (hg19) VCF-style: chr2-32613854-T-C.
Other names: c.598T>C, p.Leu200= (NM_001378125.1).
Identifiers: ClinVar variation 3050769 (VCV003050769.15), dbSNP rs150251309, ClinGen allele CA1602616.